The following is an entry in ClinVar:

ClinVar aggregate classification (germline): Likely benign (1 of 4 stars; one submission).

gnomAD v4.1: 1,374 of 1,507,806 alleles (0.091%); highest among the groups gnomAD compares: South Asian, 0.64%; 13 homozygotes.

Submission:

Molecular Diagnostic Laboratory for Inherited Cardiovascular Disease, Montreal Heart Institute
Classification: Likely benign. Last evaluated: 2026-03-27. Review status: criteria provided, single submitter. Criteria: ACMG Guidelines, 2015. Collection method: clinical testing. Allele origin: germline. Affected: no.
Comment: BS1

NM_006073.4(TRDN):c.484+1107C>T

Gene: TRDN (triadin; minus strand). Cytogenetic location: 6q22.31.
Variant type: single nucleotide variant.
Coding change: c.484+1107C>T on transcript NM_006073.4 (MANE Select); 1107 bases into the intron after coding-DNA position 484, C replaced by T.
Molecular consequence: intron variant.
Genome position (GRCh38, 1-based): chr6:123,529,399, G>A on the plus strand (C>T on the coding strand, the complement: TRDN is on the minus strand). VCF-style: chr6-123529399-G-A. GRCh37 (hg19) VCF-style: chr6-123850544-G-A.
Other names: c.484+1107C>T (NM_001407315.1, NM_001251987.2, NM_001256020.2 and 1 more transcripts); c.485-106C>T (NM_001256022.2).
Identifiers: ClinVar variation 4820417 (VCV004820417.1), dbSNP rs147244547.
Genomic context (GRCh38, chr6:123,529,399, plus strand): 5'-AAGGAGACATTAGTTTCCTAAGTACAAATATAAATAGGTTTCAACTGAGTGAGCTTCAAT[G>A]TTCTGATTGTTGAAGAATTGGCTGACCAATCTAGAATGAATTCAAACATTAGGATTAAAG-3'